The following is an entry in ClinVar:

NM_032119.4(ADGRV1):c.11071G>A (p.Ala3691Thr)

Gene: ADGRV1 (adhesion G protein-coupled receptor V1; plus strand). Cytogenetic location: 5q14.3.
Variant type: single nucleotide variant.
Coding change: c.11071G>A on transcript NM_032119.4 (MANE Select); coding-DNA position 11071, G replaced by A.
Protein change: p.Ala3691Thr; replaces alanine 3691 with threonine.
Molecular consequence: missense variant. On other transcripts: non-coding transcript variant (1).
Genome position (GRCh38, 1-based): chr5:90,750,647, G>A. VCF-style: chr5-90750647-G-A. GRCh37 (hg19) VCF-style: chr5-90046464-G-A.
Other names: c.11071G>A (NM_032119.3); short protein forms A3691T.
Identifiers: ClinVar variation 1024034 (VCV001024034.9), dbSNP rs370941998, ClinGen allele CA3340889.

ClinVar aggregate classification (germline): Conflicting classifications of pathogenicity. Review status: criteria provided, conflicting classifications (1 of 4 stars). 3 submissions from 3 submitters: Uncertain significance (1); Likely benign (1). 1 of the submissions does not count toward it. Last evaluated 2025-11-23.

Conditions:
ADGRV1-related disorder. Also called: ADGRV1-related condition; ADGRV1-related disorders.

Allele frequency attached by ClinVar (database versions not stated): gnomAD exomes below 0.00001 and 0.00002; ExAC 0.00002; gnomAD 0.00003 and 0.00004; TOPMed 0.00006; ESP Exome Variant Server 0.00008.
gnomAD v4.1: 11 of 1,612,494 alleles (0.00068%); highest among the groups gnomAD compares: African/African-American, 0.015%; no homozygotes.

Submissions (3):

Labcorp Genetics (formerly Invitae), Labcorp
Classification: Likely benign. Last evaluated: 2025-11-23. Review status: criteria provided, single submitter. Criteria: Invitae Variant Classification Sherloc (09022015). Collection method: clinical testing. Allele origin: germline.

Blueprint Genetics
Classification: Uncertain significance. Last evaluated: 2022-11-15. Review status: criteria provided, single submitter. Criteria: ACMG Guidelines, 2015. Collection method: clinical testing. Allele origin: germline.

PreventionGenetics, part of Exact Sciences
Classification: Uncertain significance for ADGRV1-related condition. Last evaluated: 2024-01-25. Review status: no assertion criteria provided. Collection method: clinical testing. Allele origin: germline. Not counted in ClinVar's aggregate classification.
Comment: The ADGRV1 c.11071G>A variant is predicted to result in the amino acid substitution p.Ala3691Thr. To our knowledge, this variant has not been reported in the literature. This variant is reported in 0.021% of alleles in individuals of African descent in gnomAD. Although we suspect that this variant may be benign, at this time, the clinical significance of this variant is uncertain due to the absence of conclusive functional and genetic evidence.